The following is an entry in ClinVar:

ClinVar aggregate classification (germline): Uncertain significance (1 of 4 stars; one submission).

Conditions:
Tay-Sachs disease (TSD). Also called: HEXA DEFICIENCY; GM2 gangliosidosis, type 1; Hexosaminidase alpha-subunit deficiency (variant B); Sphingolipidosis, Tay-Sachs; Hexosaminidase A Deficiency; HEXA Disorders. Identifiers: Orphanet 845, MedGen C0039373, MONDO:0010100, OMIM 272800.

Allele frequency attached by ClinVar (database versions not stated): gnomAD 0.00001; TOPMed 0.00002.
gnomAD v4.1: 24 of 1,614,002 alleles (0.0015%); highest among the groups gnomAD compares: Non-Finnish European, 0.002%; no homozygotes.

Submission:

Labcorp Genetics (formerly Invitae), Labcorp
Classification: Uncertain significance for Tay-Sachs disease. Last evaluated: 2022-06-24. Review status: criteria provided, single submitter. Criteria: Invitae Variant Classification Sherloc (09022015). Collection method: clinical testing. Allele origin: germline.
Comment: This sequence change replaces proline, which is neutral and non-polar, with threonine, which is neutral and polar, at codon 397 of the HEXA protein (p.Pro397Thr). This variant is present in population databases (rs778878211, gnomAD 0.002%). This variant has not been reported in the literature in individuals affected with HEXA-related conditions. Algorithms developed to predict the effect of missense changes on protein structure and function (SIFT, PolyPhen-2, Align-GVGD) all suggest that this variant is likely to be tolerated. In summary, the available evidence is currently insufficient to determine the role of this variant in disease. Therefore, it has been classified as a Variant of Uncertain Significance.

NM_000520.6(HEXA):c.1189C>A (p.Pro397Thr)

Gene: HEXA (hexosaminidase subunit alpha; minus strand). Cytogenetic location: 15q23.
Variant type: single nucleotide variant.
Coding change: c.1189C>A on transcript NM_000520.6 (MANE Select); coding-DNA position 1189, C replaced by A.
Protein change: p.Pro397Thr; replaces proline 397 with threonine.
Molecular consequence: missense variant.
Genome position (GRCh38, 1-based): chr15:72,346,668, G>T on the plus strand (C>A on the coding strand, the complement: HEXA is on the minus strand). VCF-style: chr15-72346668-G-T. GRCh37 (hg19) VCF-style: chr15-72639009-G-T.
Other names: c.1222C>A, p.Pro408Thr (NM_001318825.2); short protein forms P397T, P408T.
Identifiers: ClinVar variation 2045477 (VCV002045477.1), dbSNP rs778878211, ClinGen allele CA7644761.